The following is an entry in ClinVar:

ClinVar aggregate classification (germline): Pathogenic/Likely pathogenic. Review status: criteria provided, multiple submitters, no conflicts (2 of 4 stars). 6 submissions from 6 submitters: Pathogenic (4); Likely pathogenic (1). 1 of the submissions does not count toward it. Last evaluated 2025-06-03.

Conditions:
ABCC6-related disorder. Also called: ABCC6-related condition.
Autosomal recessive inherited pseudoxanthoma elasticum (PXE). Identifiers: Orphanet 758, MedGen CN032334, MONDO:0009925, OMIM 264800.
Arterial calcification, generalized, of infancy, 2. Identifiers: Orphanet 51608, MedGen C3276161, MONDO:0013768, OMIM 614473.
Pseudoxanthoma elasticum, forme fruste. Also called: Pseudoxanthoma Elasticum, Incomplete; PSEUDOXANTHOMA ELASTICUM, HETEROZYGOUS. Identifiers: Orphanet 758, MedGen C1867450, MONDO:0008333, OMIM 177850.

Allele frequency attached by ClinVar (database versions not stated): gnomAD 0.00001 and 0.00002; ExAC 0.00002; gnomAD exomes 0.00002; TOPMed 0.00002.

Submissions (6):

Labcorp Genetics (formerly Invitae), Labcorp
Classification: Pathogenic. Last evaluated: 2025-06-03. Review status: criteria provided, single submitter. Criteria: Invitae Variant Classification Sherloc (09022015). Collection method: clinical testing. Allele origin: germline.
Comment: This sequence change replaces arginine, which is basic and polar, with cysteine, which is neutral and slightly polar, at codon 1221 of the ABCC6 protein (p.Arg1221Cys). This variant is present in population databases (rs63751215, gnomAD 0.006%). This missense change has been observed in individual(s) with pseudoxanthoma elasticum (PMID: 12673275, 15645653). In at least one individual the data is consistent with being in trans (on the opposite chromosome) from a pathogenic variant. ClinVar contains an entry for this variant (Variation ID: 433319). Invitae Evidence Modeling of protein sequence and biophysical properties (such as structural, functional, and spatial information, amino acid conservation, physicochemical variation, residue mobility, and thermodynamic stability) indicates that this missense variant is expected to disrupt ABCC6 protein function with a positive predictive value of 95%. For these reasons, this variant has been classified as Pathogenic.

Blueprint Genetics
Classification: Pathogenic for ABCC6-related disorders. Last evaluated: 2024-07-10. Review status: criteria provided, single submitter. Criteria: ACMG Guidelines, 2015. Collection method: clinical testing. Allele origin: germline. Affected: yes. Observed: 4 variant alleles.

PreventionGenetics, part of Exact Sciences
Classification: Pathogenic for ABCC6-related condition. Last evaluated: 2023-06-21. Review status: criteria provided, single submitter. Criteria: ACMG Guidelines, 2015. Collection method: clinical testing. Allele origin: germline.
Comment: The ABCC6 c.3661C>T variant is predicted to result in the amino acid substitution p.Arg1221Cys. This variant has been reported in the compound heterozygous state in individuals with pseudoxanthoma elasticum (PX) ( Hu et al. 2003. PubMed ID: 12673275; Hu et al. 2004. PubMed ID: 15727254; Miksch et al. 2005. PubMed ID: 16086317; Pfender et al. 2007. PubMed ID: 17617515). This variant is reported in 0.0065% of alleles in individuals of South Asian descent in gnomAD. In addition, an alternate change affecting the same amino acid, (p.Arg1221His) has been reported in the compound heterozygous state with the ABCC6 p.1141* variant in an individual with PXE (Kiec-Wilk et al. 2007. PubMed ID: 16854481), in the homozygous state in an individual with generalized calcification of infancy (GACI) (Nitschke et al. 2012. PubMed ID: 22209248), and has been reported as a pathogenic secondary (carrier) finding in an exome cohort (Capalbo et al. 2019. PubMed ID: 31589614). The c.3661C>T (p.Arg1221Cys) variant is interpreted as pathogenic.

Fulgent Genetics
Classification: Likely pathogenic for Pseudoxanthoma elasticum, forme fruste; Autosomal recessive inherited pseudoxanthoma elasticum; Arterial calcification, generalized, of infancy, 2. Last evaluated: 2021-10-22. Review status: criteria provided, single submitter. Criteria: ACMG Guidelines, 2015. Collection method: clinical testing. Allele origin: unknown.

GeneDx
Classification: Pathogenic. Last evaluated: 2020-03-06. Review status: criteria provided, single submitter. Criteria: GeneDx Variant Classification Process June 2021. Collection method: clinical testing. Allele origin: germline. Affected: yes.
Comment: Not observed at a significant frequency in large population cohorts (Lek et al., 2016); In silico analysis supports that this missense variant has a deleterious effect on protein structure/function; This variant is associated with the following publications: (PMID: 16086317, 25062064, 15727254, 16854481, 17617515, 15645653, 12673275)

PXE International
Classification: Pathogenic for Autosomal recessive inherited pseudoxanthoma elasticum. Last evaluated: 2021-03-01. Review status: no assertion criteria provided. Collection method: research. Allele origin: germline. Inheritance: Autosomal recessive inheritance. Affected: yes. Observed: 3 variant alleles. Clinical features observed: Papule (HP:0200034), Skin plaque (HP:0200035), Retinal hemorrhage (HP:0000573), Weak or absent arterial pulse, Myocardial infarction (HP:0001658), Angioid streaks (HP:0001102). Not counted in ClinVar's aggregate classification.

Literature cited by the submitters: PubMed 12673275 (cited by Labcorp Genetics (formerly Invitae), Labcorp); PubMed 15645653 (cited by Labcorp Genetics (formerly Invitae), Labcorp); PubMed 32873932 (cited by PXE International).

NM_001171.6(ABCC6):c.3661C>T (p.Arg1221Cys)

Gene: ABCC6 (ATP binding cassette subfamily C member 6; minus strand). Cytogenetic location: 16p13.11.
Variant type: single nucleotide variant.
Coding change: c.3661C>T on transcript NM_001171.6 (MANE Select); coding-DNA position 3661, C replaced by T.
Protein change: p.Arg1221Cys; replaces arginine 1221 with cysteine.
Molecular consequence: missense variant. On other transcripts: non-coding transcript variant (1).
Genome position (GRCh38, 1-based): chr16:16,159,556, G>A on the plus strand (C>T on the coding strand, the complement: ABCC6 is on the minus strand). VCF-style: chr16-16159556-G-A. GRCh37 (hg19) VCF-style: chr16-16253413-G-A.
Other names: c.3319C>T, p.Arg1107Cys (NM_001351800.1); short protein forms R1221C, R1107C.
Identifiers: ClinVar variation 433319 (VCV000433319.15), dbSNP rs63751215, ClinGen allele CA7925488.
Genomic context (GRCh38, chr16:16,159,556, plus strand): 5'-AGGCATAGTCCTGCATCCGCTCCACTGACACGATGCTGTTCTCTAGGTCTGTCCAGTTGC[G>A]AACAACCCACTGCAGTGTCTGGGTCACCTGGTGCAAGAAAGCCTCTCTGGCTGGGTTTGG-3'
Protein context (NP_001162.5, residues 1211-1231): QVTQTLQWVV[Arg1221Cys]NWTDLENSIV